The following is an entry in ClinVar:

ClinVar aggregate classification (germline): Uncertain significance (1 of 4 stars; one submission).

Conditions:
Encephalopathy, acute, infection-induced (herpes-specific), susceptibility to, 6. Also called: Herpes simplex encephalitis, susceptibility to, 4. Identifiers: Orphanet 1930, MedGen C3553869, MONDO:0013921, OMIM 614850.

gnomAD v4.1: 1 of 1,614,114 alleles (0.000062%); highest among the groups gnomAD compares: Non-Finnish European, 0.000085%; no homozygotes.

Submission:

Labcorp Genetics (formerly Invitae), Labcorp
Classification: Uncertain significance for Encephalopathy, acute, infection-induced (herpes-specific), susceptibility to, 6. Last evaluated: 2022-11-08. Review status: criteria provided, single submitter. Criteria: Invitae Variant Classification Sherloc (09022015). Collection method: clinical testing. Allele origin: germline.
Comment: ClinVar contains an entry for this variant (Variation ID: 1001072). This sequence change replaces methionine, which is neutral and non-polar, with threonine, which is neutral and polar, at codon 584 of the TICAM1 protein (p.Met584Thr). This variant is not present in population databases (gnomAD no frequency). This variant has not been reported in the literature in individuals affected with TICAM1-related conditions. Algorithms developed to predict the effect of missense changes on protein structure and function are either unavailable or do not agree on the potential impact of this missense change (SIFT: "Deleterious"; PolyPhen-2: "Benign"; Align-GVGD: "Class C0"). In summary, the available evidence is currently insufficient to determine the role of this variant in disease. Therefore, it has been classified as a Variant of Uncertain Significance.

NM_182919.4(TICAM1):c.1751T>C (p.Met584Thr)

Gene: TICAM1 (TIR domain containing adaptor molecule 1; minus strand). Cytogenetic location: 19p13.3.
Variant type: single nucleotide variant.
Coding change: c.1751T>C on transcript NM_182919.4 (MANE Select); coding-DNA position 1751, T replaced by C.
Protein change: p.Met584Thr; replaces methionine 584 with threonine.
Molecular consequence: missense variant.
Genome position (GRCh38, 1-based): chr19:4,816,627, A>G on the plus strand (T>C on the coding strand, the complement: TICAM1 is on the minus strand). VCF-style: chr19-4816627-A-G. GRCh37 (hg19) VCF-style: chr19-4816639-A-G.
Other names: c.1616T>C, p.Met539Thr (NM_001385679.1); c.1109T>C, p.Met370Thr (NM_001385680.1); c.1709T>C, p.Met570Thr (NM_001385678.1); short protein forms M370T, M539T, M570T, M584T.
Identifiers: ClinVar variation 1001072 (VCV001001072.9), dbSNP rs752768415, ClinGen allele CA403488904.
Genomic context (GRCh38, chr19:4,816,627, plus strand): 5'-CCATAGGGCGCCCCAGTCCCAAATGACATGTGGCTCCCAAAAGCCACCTGGAGCTGCTCC[A>G]TCTGTGCCTGGTAGGACAAGTAGCTCTGGAGGTAGGCTGAGTAGGCTGCGTTCAGTGCCG-3'
Protein context (NP_891549.1, residues 574-594): LQSYLSYQAQ[Met584Thr]EQLQVAFGSH